The following is an entry in ClinVar:

NM_017849.4(TMEM127):c.481C>A (p.His161Asn)

Gene: TMEM127 (transmembrane protein 127; minus strand). Cytogenetic location: 2q11.2.
Variant type: single nucleotide variant.
Coding change: c.481C>A on transcript NM_017849.4 (MANE Select); coding-DNA position 481, C replaced by A.
Protein change: p.His161Asn; replaces histidine 161 with asparagine.
Molecular consequence: missense variant.
Genome position (GRCh38, 1-based): chr2:96,254,044, G>T on the plus strand (C>A on the coding strand, the complement: TMEM127 is on the minus strand). VCF-style: chr2-96254044-G-T. GRCh37 (hg19) VCF-style: chr2-96919782-G-T.
Other names: c.481C>A, p.His161Asn (NM_001193304.3); c.229C>A, p.His77Asn (NM_001407282.1, NM_001407283.1); short protein forms H161N, H77N.
Identifiers: ClinVar variation 3658177 (VCV003658177.3).

ClinVar aggregate classification (germline): Uncertain significance. Review status: criteria provided, multiple submitters, no conflicts (2 of 4 stars). 2 submissions from 2 submitters: Uncertain significance (2). Last evaluated 2026-05-19.

Conditions:
Hereditary pheochromocytoma and paraganglioma. Also called: Hereditary Paraganglioma-Pheochromocytoma Syndromes; Hereditary pheochromocytoma-paraganglioma; Hereditary paragangliomas and pheochromocytomas. Identifiers: Orphanet 29072, MedGen C4274332, MONDO:0017366.
Hereditary cancer-predisposing syndrome. Also called: Hereditary neoplastic syndrome; Tumor predisposition; Hereditary Cancer Syndrome; Neoplastic Syndromes, Hereditary. Identifiers: Orphanet 140162, MedGen C0027672, MeSH D009386, MONDO:0015356.

Submissions (2):

Ambry Genetics
Classification: Uncertain significance for Hereditary cancer-predisposing syndrome. Last evaluated: 2026-05-19. Review status: criteria provided, single submitter. Criteria: Ambry Variant Classification Scheme 2023. Collection method: clinical testing. Allele origin: germline.
Comment: The p.H161N variant (also known as c.481C>A), located in coding exon 3 of the TMEM127 gene, results from a C to A substitution at nucleotide position 481. The histidine at codon 161 is replaced by asparagine, an amino acid with similar properties. This amino acid position is conserved. In addition, the in silico prediction for this alteration is inconclusive. Based on the available evidence, the clinical significance of this variant remains unclear.

Labcorp Genetics (formerly Invitae), Labcorp
Classification: Uncertain significance for Hereditary pheochromocytoma and paraganglioma. Last evaluated: 2024-09-27. Review status: criteria provided, single submitter. Criteria: Invitae Variant Classification Sherloc (09022015). Collection method: clinical testing. Allele origin: germline.
Comment: This sequence change replaces histidine, which is basic and polar, with asparagine, which is neutral and polar, at codon 161 of the TMEM127 protein (p.His161Asn). This variant is not present in population databases (gnomAD no frequency). This variant has not been reported in the literature in individuals affected with TMEM127-related conditions. An algorithm developed to predict the effect of missense changes on protein structure and function (PolyPhen-2) suggests that this variant is likely to be tolerated. In summary, the available evidence is currently insufficient to determine the role of this variant in disease. Therefore, it has been classified as a Variant of Uncertain Significance.